The following is an entry in ClinVar:

ClinVar aggregate classification (germline): Pathogenic (1 of 4 stars; one submission).

Conditions:
Hydrocephalus, nonsyndromic, autosomal recessive 1 (HYC1). Also called: Hydrocephalus, nonsyndromic, autosomal recessive; Congenital hydrocephalus 1. Identifiers: Orphanet 2185, MedGen C3887608, MONDO:0009360, OMIM 236600.

Submission:

Myriad Genetics, Inc.
Classification: Pathogenic for Hydrocephalus, nonsyndromic, autosomal recessive 1. Last evaluated: 2026-02-08. Review status: criteria provided, single submitter. Criteria: Myriad Autosomal Dominant, Autosomal Recessive and X-Linked Classification Criteria (2023). Collection method: clinical testing. Allele origin: unknown.
Comment: NM_001080414.3(CCDC88C):c.3334C>T(Q1112*) is expected to be pathogenic in the context of congenital hydrocephalus, CCDC88C-related. This variant is predicted to lead to an abnormal or absent protein product due to the creation of a premature termination codon in CCDC88C, a gene where loss-of-function variants are known to be pathogenic. Please note: this variant was assessed in the context of healthy population screening.

NM_001080414.4(CCDC88C):c.3334C>T (p.Gln1112Ter)

Gene: CCDC88C (coiled-coil and HOOK domain protein 88C; minus strand). Cytogenetic location: 14q32.11.
Variant type: single nucleotide variant.
Coding change: c.3334C>T on transcript NM_001080414.4 (MANE Select); coding-DNA position 3334, C replaced by T.
Protein change: p.Gln1112Ter; replaces glutamine 1112 with a stop codon.
Molecular consequence: nonsense. On other transcripts: non-coding transcript variant (2).
Genome position (GRCh38, 1-based): chr14:91,305,788, G>A on the plus strand (C>T on the coding strand, the complement: CCDC88C is on the minus strand). VCF-style: chr14-91305788-G-A. GRCh37 (hg19) VCF-style: chr14-91772132-G-A.
Other names: short protein forms Q1112*.
Identifiers: ClinVar variation 5015525 (VCV005015525.1).